The following is an entry in ClinVar:

ClinVar aggregate classification (germline): Uncertain significance (1 of 4 stars; one submission).

Conditions:
Familial thoracic aortic aneurysm and aortic dissection (TAAD). Also called: Thoracic aortic aneurysms and dissections. Identifiers: Orphanet 91387, MedGen C4707243, MONDO:0019625.

Allele frequency attached by ClinVar (database versions not stated): gnomAD below 0.00001 and 0.00001; gnomAD exomes below 0.00001.
gnomAD v4.1: 2 of 1,613,566 alleles (0.00012%); highest among the groups gnomAD compares: South Asian, 0.0022%; no homozygotes.

Submission:

Color Diagnostics, LLC DBA Color Health
Classification: Uncertain significance for Familial thoracic aortic aneurysm and aortic dissection. Last evaluated: 2019-05-20. Review status: criteria provided, single submitter. Criteria: ACMG Guidelines, 2015. Collection method: clinical testing. Allele origin: germline.
Comment: This variant is located in the intron 54 splice donor site region of the FBN1 gene. Computational splicing tools predict that this variant may disrupt RNA splicing. To our knowledge, functional assays have not been performed for this variant nor has this variant been reported in individuals affected with cardiovascular disorders in the literature. This variant has not been identified in the general population by the Genome Aggregation Database (gnomAD). Available evidence is insufficient to determine the role of this variant in disease conclusively. Therefore, this variant is classified as a Variant of Uncertain Significance.

NM_000138.5(FBN1):c.6616+3A>G

Gene: FBN1 (fibrillin 1; minus strand). Cytogenetic location: 15q21.1.
Variant type: single nucleotide variant.
Coding change: c.6616+3A>G on transcript NM_000138.5 (MANE Select); 3 bases into the intron after coding-DNA position 6616, A replaced by G.
Molecular consequence: intron variant.
Genome position (GRCh38, 1-based): chr15:48,434,591, T>C on the plus strand (A>G on the coding strand, the complement: FBN1 is on the minus strand). VCF-style: chr15-48434591-T-C. GRCh37 (hg19) VCF-style: chr15-48726788-T-C.
Identifiers: ClinVar variation 918549 (VCV000918549.3), dbSNP rs2043049941, ClinGen allele CA913203425.